The following is an entry in ClinVar:

NM_013372.7(GREM1):c.293C>T (p.Pro98Leu)

Gene: GREM1 (gremlin 1, DAN family BMP antagonist; plus strand). Cytogenetic location: 15q13.3.
Variant type: single nucleotide variant.
Coding change: c.293C>T on transcript NM_013372.7 (MANE Select); coding-DNA position 293, C replaced by T.
Protein change: p.Pro98Leu; replaces proline 98 with leucine.
Molecular consequence: missense variant.
Genome position (GRCh38, 1-based): chr15:32,730,983, C>T. VCF-style: chr15-32730983-C-T. GRCh37 (hg19) VCF-style: chr15-33023184-C-T.
Other names: c.83C>T, p.Pro28Leu (NM_001191322.2); c.170C>T, p.Pro57Leu (NM_001191323.2); c.293C>T, p.Pro98Leu (NM_001368719.1); short protein forms P28L, P57L, P98L.
Identifiers: ClinVar variation 4858200 (VCV004858200.1).

ClinVar aggregate classification (germline): Uncertain significance (1 of 4 stars; one submission).

Conditions:
Hereditary cancer-predisposing syndrome. Also called: Hereditary neoplastic syndrome; Neoplastic Syndromes, Hereditary; Tumor predisposition; Hereditary Cancer Syndrome. Identifiers: Orphanet 140162, MedGen C0027672, MeSH D009386, MONDO:0015356.

Submission:

Ambry Genetics
Classification: Uncertain significance for Hereditary cancer-predisposing syndrome. Last evaluated: 2026-06-11. Review status: criteria provided, single submitter. Criteria: Ambry Variant Classification Scheme 2023. Collection method: clinical testing. Allele origin: germline.
Comment: The p.P98L variant (also known as c.293C>T), located in coding exon 1 of the GREM1 gene, results from a C to T substitution at nucleotide position 293. The proline at codon 98 is replaced by leucine, an amino acid with similar properties. This amino acid position is conserved. In addition, the in silico prediction for this alteration is inconclusive. Based on the available evidence, the clinical significance of this variant remains unclear.